The following is an entry in ClinVar:

NM_005391.5(PDK3):c.473G>A (p.Arg158His)

Gene: PDK3 (pyruvate dehydrogenase kinase 3; plus strand). Cytogenetic location: Xp22.11.
Variant type: single nucleotide variant.
Coding change: c.473G>A on transcript NM_005391.5 (MANE Select); coding-DNA position 473, G replaced by A.
Protein change: p.Arg158His; replaces arginine 158 with histidine.
Molecular consequence: missense variant.
Genome position (GRCh38, 1-based): chrX:24,503,479, G>A. VCF-style: chrX-24503479-G-A. GRCh37 (hg19) VCF-style: chrX-24521596-G-A.
Other names: c.473G>A, p.Arg158His (NM_001142386.3); short protein forms R158H.
Identifiers: ClinVar variation 60682 (VCV000060682.39), dbSNP rs397515323, ClinGen allele CA144620.

ClinVar aggregate classification (germline): Conflicting classifications of pathogenicity. Review status: criteria provided, conflicting classifications (1 of 4 stars). 5 submissions from 5 submitters: Pathogenic (2); Likely pathogenic (1); Uncertain significance (1). 1 of the submissions does not count toward it. Last evaluated 2024-06-11.

Conditions:
Charcot-Marie-Tooth disease X-linked dominant 6. Also called: CHARCOT-MARIE-TOOTH NEUROPATHY, X-LINKED DOMINANT, 6. Identifiers: Orphanet 352675, MedGen C3806702, MONDO:0010479, OMIM 300905.

Submissions (5):

Labcorp Genetics (formerly Invitae), Labcorp
Classification: Pathogenic for Charcot-Marie-Tooth disease X-linked dominant 6. Last evaluated: 2024-06-11. Review status: criteria provided, single submitter. Criteria: Invitae Variant Classification Sherloc (09022015). Collection method: clinical testing. Allele origin: germline.
Comment: This sequence change replaces arginine, which is basic and polar, with histidine, which is basic and polar, at codon 158 of the PDK3 protein (p.Arg158His). This variant is not present in population databases (gnomAD no frequency). This missense change has been observed in individuals with X-linked Charcot-Marie-Tooth disease (PMID: 23297365, 26801680). It has also been observed to segregate with disease in related individuals. ClinVar contains an entry for this variant (Variation ID: 60682). Advanced modeling of protein sequence and biophysical properties (such as structural, functional, and spatial information, amino acid conservation, physicochemical variation, residue mobility, and thermodynamic stability) performed at Invitae indicates that this missense variant is expected to disrupt PDK3 protein function with a positive predictive value of 80%. Experimental studies have shown that this missense change affects PDK3 function (PMID: 23297365). For these reasons, this variant has been classified as Pathogenic.

Neurometabolic Diseases Laboratory, Bellvitge Biomedical Research Institute (IDIBELL)
Classification: Pathogenic for Charcot-Marie-Tooth disease X-linked dominant 6. Last evaluated: 2023-04-27. Review status: criteria provided, single submitter. Criteria: ACMG Guidelines, 2015. Collection method: research. Allele origin: germline. Affected: yes.

Ambry Genetics
Classification: Uncertain significance. Last evaluated: 2022-12-02. Review status: criteria provided, single submitter. Criteria: Ambry Variant Classification Scheme 2023. Collection method: clinical testing. Allele origin: germline.
Comment: The c.473G>A (p.R158H) alteration is located in exon 4 (coding exon 4) of the PDK3 gene. This alteration results from a G to A substitution at nucleotide position 473, causing the arginine (R) at amino acid position 158 to be replaced by a histidine (H). This variant was not reported in population-based cohorts in the Genome Aggregation Database (gnomAD). This variant has been reported to co-segregate with Charcot-Marie-Tooth disease in two families with different haplotypes (Kennerson, 2013; Kennerson, 2016). This amino acid position is highly conserved in available vertebrate species. Functional studies show a gain of function affect (Kennerson, 2013; Perez-Siles, 2016; Perez-Siles, 2020; Narayanan, 2021). This alteration is predicted to be deleterious by in silico analysis. Based on insufficient or conflicting evidence, the clinical significance of this alteration remains unclear.

Kariminejad - Najmabadi Pathology & Genetics Center
Classification: Likely pathogenic for Charcot-Marie-Tooth disease X-linked dominant 6. Last evaluated: 2021-09-19. Review status: criteria provided, single submitter. Criteria: ACMG Guidelines, 2015. Collection method: clinical testing. Allele origin: germline. Inheritance: X-linked inheritance. Affected: yes.
Comment: PS3, PM2, PP3, PP4

OMIM
Classification: Pathogenic for CHARCOT-MARIE-TOOTH DISEASE, X-LINKED DOMINANT, 6 (1 family). Last evaluated: 2013-04-01. Review status: no assertion criteria provided. Collection method: literature only. Allele origin: germline. Not counted in ClinVar's aggregate classification.

Literature cited by the submitters: PubMed 23297365 (cited by 3 submitters); PubMed 26801680 (cited by Labcorp Genetics (formerly Invitae), Labcorp and Ambry Genetics); PubMed 27388934 (cited by Ambry Genetics); PubMed 28106320 (cited by Ambry Genetics); PubMed 32504000 (cited by Ambry Genetics); PubMed 34387338 (cited by Ambry Genetics).